The following is an entry in ClinVar:

ClinVar aggregate classification (germline): Uncertain significance. Review status: criteria provided, multiple submitters, no conflicts (2 of 4 stars). 3 submissions from 3 submitters: Uncertain significance (3). Last evaluated 2024-06-09.

Conditions:
Hereditary cancer-predisposing syndrome. Also called: Neoplastic Syndromes, Hereditary; Tumor predisposition; Hereditary neoplastic syndrome; Hereditary Cancer Syndrome. Identifiers: Orphanet 140162, MedGen C0027672, MeSH D009386, MONDO:0015356.
Tuberous sclerosis syndrome (TSC). Also called: Tuberous Sclerosis Complex; Tuberous sclerosis. Identifiers: Orphanet 805, MedGen C0041341, MONDO:0001734.
Tuberous sclerosis 1 (TSC1). Identifiers: Orphanet 805, MedGen C1854465, MONDO:0008612, OMIM 191100.

Submissions (3):

All of Us Research Program, National Institutes of Health
Classification: Uncertain significance for Tuberous sclerosis syndrome. Last evaluated: 2024-06-09. Review status: criteria provided, single submitter. Criteria: ACMG Guidelines, 2015. Collection method: clinical testing. Allele origin: germline. Inheritance: Autosomal dominant inheritance. Observed: 1 variant allele, 1 heterozygote.
Comment: This missense variant replaces asparagine with isoleucine at codon 34 of the TSC1 protein. Computational prediction suggests that this variant may not impact protein structure and function (internally defined REVEL score threshold <= 0.5, PMID: 27666373). To our knowledge, functional studies have not been reported for this variant. This variant has not been reported in individuals affected with TSC1-related disorders in the literature. This variant has not been identified in the general population by the Genome Aggregation Database (gnomAD). The available evidence is insufficient to determine the role of this variant in disease conclusively. Therefore, this variant is classified as a Variant of Uncertain Significance.

This study involves interpretation of variants in research participants for the purpose of population health screening. Participant phenotype was not available at the time of variant classification. Additional details can be found in publication PMID: 35346344, PMCID: PMC8962531

Labcorp Genetics (formerly Invitae), Labcorp
Classification: Uncertain significance for Tuberous sclerosis 1. Last evaluated: 2023-11-21. Review status: criteria provided, single submitter. Criteria: Invitae Variant Classification Sherloc (09022015). Collection method: clinical testing. Allele origin: germline.
Comment: This sequence change replaces asparagine, which is neutral and polar, with isoleucine, which is neutral and non-polar, at codon 34 of the TSC1 protein (p.Asn34Ile). This variant is not present in population databases (gnomAD no frequency). This variant has not been reported in the literature in individuals affected with TSC1-related conditions. ClinVar contains an entry for this variant (Variation ID: 1754398). Advanced modeling of protein sequence and biophysical properties (such as structural, functional, and spatial information, amino acid conservation, physicochemical variation, residue mobility, and thermodynamic stability) performed at Invitae indicates that this missense variant is not expected to disrupt TSC1 protein function with a negative predictive value of 95%. In summary, the available evidence is currently insufficient to determine the role of this variant in disease. Therefore, it has been classified as a Variant of Uncertain Significance.

Ambry Genetics
Classification: Uncertain significance for Hereditary cancer-predisposing syndrome. Last evaluated: 2022-01-21. Review status: criteria provided, single submitter. Criteria: Ambry Variant Classification Scheme 2023. Collection method: clinical testing. Allele origin: germline.
Comment: The p.N34I variant (also known as c.101A>T), located in coding exon 1 of the TSC1 gene, results from an A to T substitution at nucleotide position 101. The asparagine at codon 34 is replaced by isoleucine, an amino acid with dissimilar properties. This amino acid position is conserved. In addition, this alteration is predicted to be tolerated by in silico analysis. Since supporting evidence is limited at this time, the clinical significance of this alteration remains unclear.

NM_000368.5(TSC1):c.101A>T (p.Asn34Ile)

Gene: TSC1 (TSC complex subunit 1; minus strand). Cytogenetic location: 9q34.13.
Variant type: single nucleotide variant.
Coding change: c.101A>T on transcript NM_000368.5 (MANE Select); coding-DNA position 101, A replaced by T.
Protein change: p.Asn34Ile; replaces asparagine 34 with isoleucine.
Molecular consequence: missense variant. On other transcripts: 5 prime UTR variant (1).
Genome position (GRCh38, 1-based): chr9:132,928,772, T>A on the plus strand (A>T on the coding strand, the complement: TSC1 is on the minus strand). VCF-style: chr9-132928772-T-A. GRCh37 (hg19) VCF-style: chr9-135804159-T-A.
Other names: c.101A>T, p.Asn34Ile (NM_001162426.2, NM_001162427.2, NM_001406592.1 and 21 more transcripts); c.-159A>T (NM_001362177.2, NM_001406617.1, NM_001406619.1 and 3 more transcripts); c.-251A>T (NM_001406614.1); c.-388A>T (NM_001406615.1, NM_001406623.1); c.-355A>T (NM_001406616.1, NM_001406624.1); c.-777A>T (NM_001406626.1, NM_001406627.1, NM_001406628.1); c.-919A>T (NM_001406629.1); c.-993A>T (NM_001406630.1); short protein forms N34I.
Identifiers: ClinVar variation 1754398 (VCV001754398.6), dbSNP rs980870206, ClinGen allele CA200902497.
Genomic context (GRCh38, chr9:132,928,772, plus strand): 5'-AAAGTCAATCTCTTCTTTCTAGAAGATAAGCTAAAAAGGATATTATTTTGCTAACCAGAA[T>A]TGAGGTTCTCTTTAAAGACAGCTGTCACGTCGTCCCGCACACCCAGCATGGGGGAGTCCA-3'
Protein context (NP_000359.1, residues 24-44): DVTAVFKENL[Asn34Ile]SDRGPMLVNT